The following is an entry in ClinVar:

ClinVar aggregate classification (germline): Uncertain significance (1 of 4 stars; one submission).

gnomAD v4.1: 1 of 1,613,624 alleles (0.000062%); highest among the groups gnomAD compares: African/African-American, 0.0013%; no homozygotes.

Submission:

GeneDx
Classification: Uncertain significance. Last evaluated: 2025-02-18. Review status: criteria provided, single submitter. Criteria: GeneDx Variant Classification Process June 2021. Collection method: clinical testing. Allele origin: germline. Affected: yes.
Comment: Not observed at significant frequency in large population cohorts (gnomAD); In silico analysis supports that this missense variant has a deleterious effect on protein structure/function; Has not been previously published as pathogenic or benign to our knowledge

NM_006514.4(SCN10A):c.4081C>G (p.Leu1361Val)

Gene: SCN10A (sodium voltage-gated channel alpha subunit 10; minus strand). Cytogenetic location: 3p22.2.
Variant type: single nucleotide variant.
Coding change: c.4081C>G on transcript NM_006514.4 (MANE Select); coding-DNA position 4081, C replaced by G.
Protein change: p.Leu1361Val; replaces leucine 1361 with valine.
Molecular consequence: missense variant.
Genome position (GRCh38, 1-based): chr3:38,712,169, G>C on the plus strand (C>G on the coding strand, the complement: SCN10A is on the minus strand). VCF-style: chr3-38712169-G-C. GRCh37 (hg19) VCF-style: chr3-38753660-G-C.
Other names: c.4078C>G, p.Leu1360Val (NM_001293306.2); c.3787C>G, p.Leu1263Val (NM_001293307.2); short protein forms L1263V, L1360V, L1361V.
Identifiers: ClinVar variation 4075473 (VCV004075473.1).